The following is an entry in ClinVar:

NM_001177701.3(IFT27):c.250G>T (p.Val84Phe)

Genes: CACNG2-DT (CACNG2 divergent transcript; plus strand), IFT27 (intraflagellar transport 27; minus strand). Cytogenetic location: 22q12.3.
Variant type: single nucleotide variant.
Coding change: c.250G>T on transcript NM_001177701.3 (MANE Select); coding-DNA position 250, G replaced by T.
Protein change: p.Val84Phe; replaces valine 84 with phenylalanine.
Molecular consequence: missense variant.
Genome position (GRCh38, 1-based): chr22:36,764,021, C>A on the plus strand (G>T on the coding strand, the complement: IFT27 is on the minus strand). VCF-style: chr22-36764021-C-A. GRCh37 (hg19) VCF-style: chr22-37160065-C-A.
Other names: c.250G>T, p.Val84Phe (NM_001363003.2); c.247G>T, p.Val83Phe (NM_006860.5); short protein forms V83F, V84F.
Identifiers: ClinVar variation 1025802 (VCV001025802.8), dbSNP rs1569075621, ClinGen allele CA411383445.
Genomic context (GRCh38, chr22:36,764,021, plus strand): 5'-GCCACTTGCTGCAGTTGTTGAAGGATTCTTCATTGGTCACATCATAGACGAGACATAAGA[C>A]ATTGGGACTCTCCCACTGTGCAAGAGGGACAGGATGAGTATGGGTCAGTAACAGGAAAAG-3'
Protein context (NP_001171172.1, residues 74-94): MLDKLWESPN[Val84Phe]LCLVYDVTNE

ClinVar aggregate classification (germline): Uncertain significance (1 of 4 stars; one submission).

Submission:

Labcorp Genetics (formerly Invitae), Labcorp
Classification: Uncertain significance. Last evaluated: 2022-02-24. Review status: criteria provided, single submitter. Criteria: Invitae Variant Classification Sherloc (09022015). Collection method: clinical testing. Allele origin: germline.
Comment: This variant has not been reported in the literature in individuals affected with IFT27-related conditions. This sequence change replaces valine, which is neutral and non-polar, with phenylalanine, which is neutral and non-polar, at codon 83 of the IFT27 protein (p.Val83Phe). This variant is not present in population databases (gnomAD no frequency). ClinVar contains an entry for this variant (Variation ID: 1025802). Algorithms developed to predict the effect of missense changes on protein structure and function are either unavailable or do not agree on the potential impact of this missense change (SIFT: "Deleterious"; PolyPhen-2: "Possibly Damaging"; Align-GVGD: "Class C0"). In summary, the available evidence is currently insufficient to determine the role of this variant in disease. Therefore, it has been classified as a Variant of Uncertain Significance.